The following is an entry in ClinVar:

ClinVar aggregate classification (germline): Uncertain significance. Review status: criteria provided, multiple submitters, no conflicts (2 of 4 stars). 3 submissions from 3 submitters: Uncertain significance (3). Last evaluated 2024-10-12.

Conditions:
Inborn genetic diseases. Identifiers: MedGen C0950123, MeSH D030342.
Peroxisome biogenesis disorder 2B (PBD2B). Identifiers: Orphanet 44, MedGen C3550234, MONDO:0008736, OMIM 202370.

Allele frequency attached by ClinVar (database versions not stated): gnomAD exomes below 0.00001 and 0.00001; TOPMed below 0.00001; ExAC 0.00001.
gnomAD v4.1: 15 of 1,614,184 alleles (0.00093%); highest among the groups gnomAD compares: South Asian, 0.0033%; no homozygotes.

Submissions (3):

Ambry Genetics
Classification: Uncertain significance for Inborn genetic diseases. Last evaluated: 2024-10-12. Review status: criteria provided, single submitter. Criteria: Ambry Variant Classification Scheme 2023. Collection method: clinical testing. Allele origin: germline.

Labcorp Genetics (formerly Invitae), Labcorp
Classification: Uncertain significance for Peroxisome biogenesis disorder 2B. Last evaluated: 2022-10-13. Review status: criteria provided, single submitter. Criteria: Invitae Variant Classification Sherloc (09022015). Collection method: clinical testing. Allele origin: germline.
Comment: This sequence change replaces threonine, which is neutral and polar, with isoleucine, which is neutral and non-polar, at codon 441 of the PEX5 protein (p.Thr441Ile). This variant is present in population databases (rs777898843, gnomAD 0.003%). This variant has not been reported in the literature in individuals affected with PEX5-related conditions. ClinVar contains an entry for this variant (Variation ID: 501847). Advanced modeling of protein sequence and biophysical properties (such as structural, functional, and spatial information, amino acid conservation, physicochemical variation, residue mobility, and thermodynamic stability) performed at Invitae indicates that this missense variant is not expected to disrupt PEX5 protein function. In summary, the available evidence is currently insufficient to determine the role of this variant in disease. Therefore, it has been classified as a Variant of Uncertain Significance.

Eurofins Ntd Llc (ga)
Classification: Uncertain significance. Last evaluated: 2017-05-02. Review status: criteria provided, single submitter. Criteria: EGL Classification Definitions 2015. Collection method: clinical testing. Allele origin: germline. Observed: 1 variant allele, 1 heterozygote.

NM_001351132.2(PEX5):c.1322C>T (p.Thr441Ile)

Gene: PEX5 (peroxisomal biogenesis factor 5; plus strand). Cytogenetic location: 12p13.31.
Variant type: single nucleotide variant.
Coding change: c.1322C>T on transcript NM_001351132.2 (MANE Select); coding-DNA position 1322, C replaced by T.
Protein change: p.Thr441Ile; replaces threonine 441 with isoleucine.
Molecular consequence: missense variant.
Genome position (GRCh38, 1-based): chr12:7,208,597, C>T. VCF-style: chr12-7208597-C-T. GRCh37 (hg19) VCF-style: chr12-7361193-C-T.
Other names: c.1298C>T, p.Thr433Ile (NM_000319.5); c.1367C>T, p.Thr456Ile (NM_001131023.2); c.1211C>T, p.Thr404Ile (NM_001131024.2, NM_001351124.3, NM_001351126.2 and 7 more transcripts); c.1322C>T, p.Thr441Ile (NM_001131025.2, NM_001131026.2, NM_001300789.3 and 4 more transcripts); c.1256C>T, p.Thr419Ile (NM_001351135.3, NM_001351138.2); c.1313C>T, p.Thr438Ile (NM_001351136.2); c.1187C>T, p.Thr396Ile (NM_001351139.2, NM_001351140.2, NM_001374649.2); c.1322C>T (NM_001131025.1); short protein forms T433I, T441I, T419I, T396I, T438I, T404I, T456I.
Identifiers: ClinVar variation 501847 (VCV000501847.9), dbSNP rs777898843, ClinGen allele CA6426426.
Genomic context (GRCh38, chr12:7,208,597, plus strand): 5'-AGGCCTGTGAAACCCTACGAGACTGGCTGCGGTACACACCAGCCTATGCCCATCTGGTGA[C>T]ACCTGCTGAAGAAGGGGCTGGTGGGGCAGGACTGGGCCCCAGCAAGCGTATCCTGGGATC-3'
Protein context (NP_001338061.1, residues 431-451): RYTPAYAHLV[Thr441Ile]PAEEGAGGAG